The following is an entry in ClinVar:

ClinVar aggregate classification (germline): Uncertain significance. Review status: criteria provided, single submitter (1 of 4 stars). 3 submissions from 2 submitters: Uncertain significance (2). 1 of the submissions does not count toward it. Last evaluated 2018-01-13.

Conditions:
Isolated microphthalmia 2. Identifiers: Orphanet 2542, MedGen C1864720, MONDO:0012409, OMIM 610093.
Microphthalmia, isolated, with coloboma 3 (MCOPCB3). Also called: MICROPHTHALMIA/COLOBOMA 3; MICROPHTHALMIA, COLOBOMATOUS, 3. Identifiers: Orphanet 98938, MedGen C1864721, MONDO:0012408, OMIM 610092.

Allele frequency attached by ClinVar (database versions not stated): gnomAD 0.00001 and 0.00003; TOPMed 0.00001; gnomAD exomes 0.00011; ExAC 0.00014.
gnomAD v4.1: 172 of 1,613,662 alleles (0.011%); highest among the groups gnomAD compares: East Asian, 0.36%; 1 homozygote.

Submissions (3):

Illumina Laboratory Services, Illumina
Classification: Uncertain significance for Isolated microphthalmia 2. Last evaluated: 2018-01-13. Review status: criteria provided, single submitter. Criteria: ICSL Variant Classification Criteria 13 December 2019. Collection method: clinical testing. Allele origin: germline.

Illumina Laboratory Services, Illumina
Classification: Uncertain significance for Microphthalmia, isolated, with coloboma 3. Last evaluated: 2018-01-13. Review status: criteria provided, single submitter. Criteria: ICSL Variant Classification Criteria 13 December 2019. Collection method: clinical testing. Allele origin: germline.

Department of Pathology and Laboratory Medicine, Sinai Health System
Classification: Uncertain significance. Review status: no assertion criteria provided. Collection method: clinical testing. Allele origin: unknown. Affected: yes. Study: The Canadian Open Genetics Repository (COGR). Not counted in ClinVar's aggregate classification.
Comment: The VSX2 p.Glu169Lys variant was not identified in the literature nor was it identified in ClinVar or LOVD 3.0. The variant was identified in dbSNP (ID: rs573993188) and in Cosmic (confirmed somatically in ovarian carcinoma tissue with FATHMM prediction of pathogenic, score 0.97). The variant was also identified in control databases in 28 of 251382 chromosomes at a frequency of 0.000111 (Genome Aggregation Database Feb 27, 2017). The variant was observed in the following populations: East Asian in 25 of 18394 chromosomes (freq: 0.001359), Latino in 2 of 34580 chromosomes (freq: 0.000058) and European (non-Finnish) in 1 of 113694 chromosomes (freq: 0.000009), but was not observed in the African, Ashkenazi Jewish, European (Finnish), Other, and South Asian populations. The p.Glu169 residue is conserved across mammals and other organisms, and four out of five computational analyses (PolyPhen-2, SIFT, AlignGVGD, BLOSUM, MutationTaster) suggest that the variant may impact the protein; however, this information is not predictive enough to assume pathogenicity. The variant occurs outside of the splicing consensus sequence and in silico or computational prediction software programs (SpliceSiteFinder, MaxEntScan, NNSPLICE, GeneSplicer) do not predict a difference in splicing. In summary, based on the above information the clinical significance of this variant cannot be determined with certainty at this time. This variant is classified as a variant of uncertain significance.

NM_182894.3(VSX2):c.505G>A (p.Glu169Lys)

Gene: VSX2 (visual system homeobox 2; plus strand). Cytogenetic location: 14q24.3.
Variant type: single nucleotide variant.
Coding change: c.505G>A on transcript NM_182894.3 (MANE Select); coding-DNA position 505, G replaced by A.
Protein change: p.Glu169Lys; replaces glutamic acid 169 with lysine.
Molecular consequence: missense variant.
Genome position (GRCh38, 1-based): chr14:74,245,214, G>A. VCF-style: chr14-74245214-G-A. GRCh37 (hg19) VCF-style: chr14-74711917-G-A.
Other names: short protein forms E169K.
Identifiers: ClinVar variation 888257 (VCV000888257.5), dbSNP rs573993188, ClinGen allele CA7266345.
Genomic context (GRCh38, chr14:74,245,214, plus strand): 5'-GCTCCCCTCAGGACAATCTTTACCTCCTACCAGCTAGAGGAGCTGGAGAAGGCATTCAAC[G>A]AAGCCCACTACCCAGACGTCTATGCCCGGGAGATGCTGGCCATGAAAACGGAGCTGCCGG-3'
Protein context (NP_878314.1, residues 159-179): QLEELEKAFN[Glu169Lys]AHYPDVYARE